The following is an entry in ClinVar:

ClinVar aggregate classification (germline): Uncertain significance (1 of 4 stars; one submission).

Submission:

GeneDx
Classification: Uncertain significance. Last evaluated: 2024-05-29. Review status: criteria provided, single submitter. Criteria: GeneDx Variant Classification Process June 2021. Collection method: clinical testing. Allele origin: germline. Affected: yes.
Comment: Not observed at significant frequency in large population cohorts (gnomAD); In silico analysis indicates that this missense variant does not alter protein structure/function; Has not been previously published as pathogenic or benign to our knowledge

NM_007118.4(TRIO):c.6673C>G (p.Leu2225Val)

Gene: TRIO (trio Rho guanine nucleotide exchange factor; plus strand). Cytogenetic location: 5p15.2.
Variant type: single nucleotide variant.
Coding change: c.6673C>G on transcript NM_007118.4 (MANE Select); coding-DNA position 6673, C replaced by G.
Protein change: p.Leu2225Val; replaces leucine 2225 with valine.
Molecular consequence: missense variant. On other transcripts: non-coding transcript variant (1).
Genome position (GRCh38, 1-based): chr5:14,485,084, C>G. VCF-style: chr5-14485084-C-G. GRCh37 (hg19) VCF-style: chr5-14485193-C-G.
Other names: short protein forms L2225V.
Identifiers: ClinVar variation 3383681 (VCV003383681.1).